The following is an entry in ClinVar:

ClinVar aggregate classification (germline): Pathogenic/Likely pathogenic. Review status: criteria provided, multiple submitters, no conflicts (2 of 4 stars). 3 submissions from 3 submitters: Pathogenic (1); Likely pathogenic (1). 1 of the submissions does not count toward it. Last evaluated 2024-10-24.

Conditions:
Hypertrophic osteoarthropathy, primary, autosomal recessive, 2 (PHOAR2E). Also called: PACHYDERMOPERIOSTOSIS, AUTOSOMAL RECESSIVE; PDP, AUTOSOMAL RECESSIVE; PHOAR2-enteropathy syndrome; HYPERTROPHIC OSTEOARTHROPATHY, PRIMARY, AUTOSOMAL RECESSIVE, 2/ENTEROPATHY SYNDROME. Identifiers: Orphanet 2796, MedGen C3280800, MONDO:0013756, OMIM 614441.

Allele frequency attached by ClinVar (database versions not stated): gnomAD 0.00001; TOPMed 0.00001; gnomAD exomes 0.00006; ExAC 0.00008; 1000 Genomes Project 0.00040; 1000 Genomes Project 30x 0.00062.

Submissions (3):

Labcorp Genetics (formerly Invitae), Labcorp
Classification: Pathogenic. Last evaluated: 2024-10-24. Review status: criteria provided, single submitter. Criteria: Invitae Variant Classification Sherloc (09022015). Collection method: clinical testing. Allele origin: germline.
Comment: This sequence change replaces glycine, which is neutral and non-polar, with aspartic acid, which is acidic and polar, at codon 369 of the SLCO2A1 protein (p.Gly369Asp). This variant is present in population databases (rs200316980, gnomAD 0.09%). This missense change has been observed in individuals with clinical features of hypertrophic osteoarthropathy (PMID: 23509104, 28963081, 30154299; internal data). ClinVar contains an entry for this variant (Variation ID: 1483488). Invitae Evidence Modeling of protein sequence and biophysical properties (such as structural, functional, and spatial information, amino acid conservation, physicochemical variation, residue mobility, and thermodynamic stability) indicates that this missense variant is expected to disrupt SLCO2A1 protein function with a positive predictive value of 95%. For these reasons, this variant has been classified as Pathogenic.

Juno Genomics, Hangzhou Juno Genomics, Inc
Classification: Likely pathogenic for Hypertrophic osteoarthropathy, primary, autosomal recessive, 2. Review status: criteria provided, single submitter. Criteria: ACMG Guidelines, 2015. Collection method: clinical testing. Allele origin: germline.
Comment: Absent from controls (or at extremely low frequency if recessive) in Genome Aggregation Database.;Multiple lines of computational evidence support a deleterious effect on the gene or gene product.;For recessive disorders, detected in trans with a pathogenic variant.;Co-segregation with disease in multiple affected family members.;Patient's phenotype or family history is highly specific for a disease with a single genetic etiology.

OMIM
Classification: Pathogenic for PHOAR2-ENTEROPATHY SYNDROME. Last evaluated: 2024-02-13. Review status: no assertion criteria provided. Collection method: literature only. Allele origin: germline. Not counted in ClinVar's aggregate classification.

Literature cited by the submitters: PubMed 23509104 (cited by Labcorp Genetics (formerly Invitae), Labcorp and OMIM); PubMed 28963081 (cited by Labcorp Genetics (formerly Invitae), Labcorp); PubMed 30154299 (cited by Labcorp Genetics (formerly Invitae), Labcorp); PubMed 28425581 (cited by OMIM).

NM_005630.3(SLCO2A1):c.1106G>A (p.Gly369Asp)

Gene: SLCO2A1 (solute carrier organic anion transporter family member 2A1; minus strand). Cytogenetic location: 3q22.1.
Variant type: single nucleotide variant.
Coding change: c.1106G>A on transcript NM_005630.3 (MANE Select); coding-DNA position 1106, G replaced by A.
Protein change: p.Gly369Asp; replaces glycine 369 with aspartic acid.
Molecular consequence: missense variant.
Genome position (GRCh38, 1-based): chr3:133,947,445, C>T on the plus strand (G>A on the coding strand, the complement: SLCO2A1 is on the minus strand). VCF-style: chr3-133947445-C-T. GRCh37 (hg19) VCF-style: chr3-133666289-C-T.
Other names: short protein forms G369D.
Identifiers: ClinVar variation 1483488 (VCV001483488.10), dbSNP rs200316980, ClinGen allele CA2626556.